The following is an entry in ClinVar:

ClinVar aggregate classification (germline): Benign (1 of 4 stars; one submission).

Conditions:
Tumor predisposition syndrome 2 (TPDS2). Also called: MBD4-ASSOCIATED NEOPLASIA SYNDROME; MBD4-Related Tumor Predisposition Syndrome; MBD4-associated neoplasia syndrome (MANS). Identifiers: Orphanet 661526, MedGen C5774186, MONDO:0859267, OMIM 619975.

Submission:

Myriad Genetics, Inc.
Classification: Benign for Tumor predisposition syndrome 2. Last evaluated: 2026-06-10. Review status: criteria provided, single submitter. Criteria: Myriad Autosomal Dominant, Autosomal Recessive and X-Linked Classification Criteria (2023). Collection method: clinical testing. Allele origin: unknown.
Comment: This variant is considered benign. This variant is a silent/synonymous amino acid change and it is not expected to impact splicing.

NM_001276270.2(MBD4):c.867C>T (p.Cys289=)

Gene: MBD4 (methyl-CpG binding domain 4, DNA glycosylase; minus strand). Cytogenetic location: 3q21.3.
Variant type: single nucleotide variant.
Coding change: c.867C>T on transcript NM_001276270.2 (MANE Select); coding-DNA position 867, C replaced by T.
Protein change: p.Cys289=; no amino-acid change (cysteine 289 retained).
Molecular consequence: synonymous variant. On other transcripts: intron variant (1).
Genome position (GRCh38, 1-based): chr3:129,436,777, G>A on the plus strand (C>T on the coding strand, the complement: MBD4 is on the minus strand). VCF-style: chr3-129436777-G-A. GRCh37 (hg19) VCF-style: chr3-129155620-G-A.
Other names: c.867C>T, p.Cys289= (NM_001276271.2, NM_001276272.2, NM_003925.3); c.247+1031C>T (NM_001276273.2).
Identifiers: ClinVar variation 4876015 (VCV004876015.1).